The following is an entry in ClinVar:

NM_006904.7(PRKDC):c.8268A>C (p.Glu2756Asp)

Gene: PRKDC (protein kinase, DNA-activated, catalytic subunit; minus strand). Cytogenetic location: 8q11.21.
Variant type: single nucleotide variant.
Coding change: c.8268A>C on transcript NM_006904.7 (MANE Select); coding-DNA position 8268, A replaced by C.
Protein change: p.Glu2756Asp; replaces glutamic acid 2756 with aspartic acid.
Molecular consequence: missense variant.
Genome position (GRCh38, 1-based): chr8:47,830,734, T>G on the plus strand (A>C on the coding strand, the complement: PRKDC is on the minus strand). VCF-style: chr8-47830734-T-G. GRCh37 (hg19) VCF-style: chr8-48743295-T-G.
Other names: c.8268A>C, p.Glu2756Asp (NM_001081640.2); short protein forms E2756D.
Identifiers: ClinVar variation 968203 (VCV000968203.4), dbSNP rs751107248, ClinGen allele CA4739864.
Genomic context (GRCh38, chr8:47,830,734, plus strand): 5'-CCGGTAGCTTCTGTACAGAACGACCTGGGCATCCTGCTTCATTTTTAACTCACTCTTGAT[T>G]TCCTATAAGCACCAGAACCAAAGAAGAAGATGAGCATTCTCATTGAAGGAAACTAGTCGT-3'
Protein context (NP_008835.5, residues 2746-2766): KGVAEQKREK[Glu2756Asp]IKSELKMKQD

ClinVar aggregate classification (germline): Uncertain significance (1 of 4 stars; one submission).

Conditions:
Severe combined immunodeficiency due to DNA-PKcs deficiency. Also called: IMMUNODEFICIENCY 26 WITH NEUROLOGIC ABNORMALITIES; Immunodeficiency 26 with or without neurologic abnormalities. Identifiers: Orphanet 317425, MedGen C4014833, MONDO:0014423, OMIM 615966.

Allele frequency attached by ClinVar (database versions not stated): TOPMed below 0.00001; ExAC 0.00001; gnomAD exomes 0.00002.
gnomAD v4.1: 7 of 1,613,882 alleles (0.00043%); highest among the groups gnomAD compares: East Asian, 0.016%; no homozygotes.

Submission:

Labcorp Genetics (formerly Invitae), Labcorp
Classification: Uncertain significance for Severe combined immunodeficiency due to DNA-PKcs deficiency. Last evaluated: 2019-11-08. Review status: criteria provided, single submitter. Criteria: Invitae Variant Classification Sherloc (09022015). Collection method: clinical testing. Allele origin: germline.
Comment: In summary, the available evidence is currently insufficient to determine the role of this variant in disease. Therefore, it has been classified as a Variant of Uncertain Significance. This sequence change replaces glutamic acid with aspartic acid at codon 2756 of the PRKDC protein (p.Glu2756Asp). The glutamic acid residue is weakly conserved and there is a small physicochemical difference between glutamic acid and aspartic acid. This variant is present in population databases (rs751107248, ExAC 0.01%). This variant has not been reported in the literature in individuals with PRKDC-related conditions. Algorithms developed to predict the effect of missense changes on protein structure and function output the following: SIFT: "Tolerated"; PolyPhen-2: "Benign"; Align-GVGD: "Class C0". The aspartic acid amino acid residue is found in multiple mammalian species, suggesting that this missense change does not adversely affect protein function. These predictions have not been confirmed by published functional studies and their clinical significance is uncertain.